The following is an entry in ClinVar:

ClinVar aggregate classification (germline): Uncertain significance (1 of 4 stars; one submission).

Conditions:
Inborn genetic diseases. Identifiers: MedGen C0950123, MeSH D030342.

Allele frequency attached by ClinVar (database versions not stated): TOPMed below 0.00001; gnomAD exomes below 0.00001.

Submission:

Ambry Genetics
Classification: Uncertain significance for Inborn genetic diseases. Last evaluated: 2023-03-11. Review status: criteria provided, single submitter. Criteria: Ambry Variant Classification Scheme 2023. Collection method: clinical testing. Allele origin: germline.
Comment: The p.S250F variant (also known as c.749C>T), located in coding exon 8 of the MDH2 gene, results from a C to T substitution at nucleotide position 749. The serine at codon 250 is replaced by phenylalanine, an amino acid with highly dissimilar properties. This amino acid position is conserved. In addition, this alteration is predicted to be deleterious by in silico analysis. Since supporting evidence is limited at this time, the clinical significance of this alteration remains unclear.

NM_005918.4(MDH2):c.749C>T (p.Ser250Phe)

Gene: MDH2 (malate dehydrogenase 2; plus strand). Cytogenetic location: 7q11.23.
Variant type: single nucleotide variant.
Coding change: c.749C>T on transcript NM_005918.4 (MANE Select); coding-DNA position 749, C replaced by T.
Protein change: p.Ser250Phe; replaces serine 250 with phenylalanine.
Molecular consequence: missense variant.
Genome position (GRCh38, 1-based): chr7:76,064,817, C>T. VCF-style: chr7-76064817-C-T. GRCh37 (hg19) VCF-style: chr7-75694135-C-T.
Other names: c.623C>T, p.Ser208Phe (NM_001282403.2); c.428C>T, p.Ser143Phe (NM_001282404.2); short protein forms S143F, S208F, S250F.
Identifiers: ClinVar variation 3225212 (VCV003225212.1), dbSNP rs1798050246, ClinGen allele CA367767989.